The following is an entry in ClinVar:

ClinVar aggregate classification (germline): Uncertain significance (1 of 4 stars; one submission).

Conditions:
Long QT syndrome (LQTS). Identifiers: MedGen C0023976, MeSH D008133, MONDO:0002442. Disease mechanism: loss of function. Inheritance: Various modes of inheritance.

Submission:

Labcorp Genetics (formerly Invitae), Labcorp
Classification: Uncertain significance for Long QT syndrome. Last evaluated: 2024-06-22. Review status: criteria provided, single submitter. Criteria: Invitae Variant Classification Sherloc (09022015). Collection method: clinical testing. Allele origin: germline.
Comment: This sequence change replaces glutamic acid, which is acidic and polar, with valine, which is neutral and non-polar, at codon 163 of the AKAP9 protein (p.Glu163Val). This variant is not present in population databases (gnomAD no frequency). This variant has not been reported in the literature in individuals affected with AKAP9-related conditions. An algorithm developed to predict the effect of missense changes on protein structure and function (PolyPhen-2) suggests that this variant is likely to be disruptive. In summary, the available evidence is currently insufficient to determine the role of this variant in disease. Therefore, it has been classified as a Variant of Uncertain Significance.

NM_005751.5(AKAP9):c.488A>T (p.Glu163Val)

Gene: AKAP9 (A-kinase anchoring protein 9; plus strand). Cytogenetic location: 7q21.2.
Variant type: single nucleotide variant.
Coding change: c.488A>T on transcript NM_005751.5 (MANE Select); coding-DNA position 488, A replaced by T.
Protein change: p.Glu163Val; replaces glutamic acid 163 with valine.
Molecular consequence: missense variant.
Genome position (GRCh38, 1-based): chr7:91,992,967, A>T. VCF-style: chr7-91992967-A-T. GRCh37 (hg19) VCF-style: chr7-91622281-A-T.
Other names: c.488A>T, p.Glu163Val (NM_147185.3); short protein forms E163V.
Identifiers: ClinVar variation 3657370 (VCV003657370.2).